The following is an entry in ClinVar:

NM_000059.4(BRCA2):c.7382del (p.Asn2461fs)

Gene: BRCA2 (BRCA2 DNA repair associated; plus strand). Cytogenetic location: 13q13.1.
Variant type: Deletion.
Coding change: c.7382del on transcript NM_000059.4 (MANE Select); coding-DNA position 7382, one base deleted (A; older notation c.7382delA).
Protein change: p.Asn2461fs; shifts the reading frame from asparagine 2461.
Molecular consequence: frameshift variant.
Genome position (GRCh38, 1-based): chr13:32,355,235, A deleted; the last of 2 consecutive A bases (chr13:32,355,234-32,355,235); deleting either gives the same sequence. VCF-style (leftmost placement, unchanged base first): chr13-32355233-CA-C. GRCh37 (hg19) VCF-style: chr13-32929370-CA-C.
Other names: c.7382delA (NM_000059.3); short protein forms N2461fs.
Identifiers: ClinVar variation 254602 (VCV000254602.2), dbSNP rs886038166, ClinGen allele CA10586573.

ClinVar aggregate classification (germline): Pathogenic (3 of 4 stars; one submission).

Conditions:
Breast-ovarian cancer, familial, susceptibility to, 2 (BROVCA2). Also called: BRCA2 Hereditary Breast and Ovarian Cancer. Identifiers: Orphanet 145, MedGen C2675520, MONDO:0012933, OMIM 612555. Disease mechanism: loss of function.

Submission:

Evidence-based Network for the Interpretation of Germline Mutant Alleles (ENIGMA)
Classification: Pathogenic for Breast-ovarian cancer, familial, susceptibility to, 2. Last evaluated: 2016-09-08. Review status: reviewed by expert panel. Criteria: ENIGMA BRCA1/2 Classification Criteria (2015). Collection method: curation. Allele origin: germline.
Comment: Variant allele predicted to encode a truncated non-functional protein.